The following is an entry in ClinVar:

ClinVar aggregate classification (germline): Likely benign. Review status: criteria provided, multiple submitters, no conflicts (2 of 4 stars). 3 submissions from 3 submitters: Likely benign (2). 1 of the submissions does not count toward it. Last evaluated 2026-01-06.

Conditions:
CSF3R-related disorder. Also called: CSF3R-related condition.
Autosomal recessive severe congenital neutropenia due to CSF3R deficiency. Also called: Neutropenia, severe congenital, 7, autosomal recessive. Identifiers: Orphanet 420702, MedGen C4310764, MONDO:0014865, OMIM 617014.
Inborn genetic diseases. Identifiers: MedGen C0950123, MeSH D030342.

Allele frequency attached by ClinVar (database versions not stated): ExAC 0.00007; TOPMed 0.00003; gnomAD 0.00004 and 0.00005; gnomAD exomes 0.00005 and 0.00006.

Submissions (3):

Labcorp Genetics (formerly Invitae), Labcorp
Classification: Likely benign for Autosomal recessive severe congenital neutropenia due to CSF3R deficiency. Last evaluated: 2026-01-06. Review status: criteria provided, single submitter. Criteria: Invitae Variant Classification Sherloc (09022015). Collection method: clinical testing. Allele origin: germline.

Ambry Genetics
Classification: Likely benign for Inborn genetic diseases. Last evaluated: 2025-04-18. Review status: criteria provided, single submitter. Criteria: Ambry Variant Classification Scheme 2023. Collection method: clinical testing. Allele origin: germline.

PreventionGenetics, part of Exact Sciences
Classification: Likely benign for CSF3R-related condition. Last evaluated: 2023-03-06. Review status: no assertion criteria provided. Collection method: clinical testing. Allele origin: germline. Not counted in ClinVar's aggregate classification.
Comment: This variant is classified as likely benign based on ACMG/AMP sequence variant interpretation guidelines (Richards et al. 2015 PMID: 25741868, with internal and published modifications).

NM_000760.4(CSF3R):c.1263G>A (p.Pro421=)

Gene: CSF3R (colony stimulating factor 3 receptor; minus strand). Cytogenetic location: 1p34.3.
Variant type: single nucleotide variant.
Coding change: c.1263G>A on transcript NM_000760.4 (MANE Select); coding-DNA position 1263, G replaced by A.
Protein change: p.Pro421=; no amino-acid change (proline 421 retained).
Molecular consequence: synonymous variant.
Genome position (GRCh38, 1-based): chr1:36,471,455, C>T on the plus strand (G>A on the coding strand, the complement: CSF3R is on the minus strand). VCF-style: chr1-36471455-C-T. GRCh37 (hg19) VCF-style: chr1-36937056-C-T.
Other names: c.1263G>A, p.Pro421= (NM_156039.3, NM_172313.3).
Identifiers: ClinVar variation 736598 (VCV000736598.13), dbSNP rs768308980, ClinGen allele CA769246.
Genomic context (GRCh38, chr1:36,471,455, plus strand): 5'-TTGACCTCTGTGCTCTTCTGGCTGCCAGCCCCCTTTACCTCTGCTTTCTGAGAAGACCAC[C>T]GGAGTGGGACGAGAGGTCCCGGCTGAGTTATAGGCCACAAGGGCCACCTCCTGGGCTTCT-3'
Protein context (NP_000751.1, residues 411-431): YNSAGTSRPT[Pro421=]VVFSESRGPA